The following is an entry in ClinVar:

NM_001376.5(DYNC1H1):c.5906C>T (p.Ser1969Leu)

Gene: DYNC1H1 (dynein cytoplasmic 1 heavy chain 1; plus strand). Cytogenetic location: 14q32.31.
Variant type: single nucleotide variant.
Coding change: c.5906C>T on transcript NM_001376.5 (MANE Select); coding-DNA position 5906, C replaced by T.
Protein change: p.Ser1969Leu; replaces serine 1969 with leucine.
Molecular consequence: missense variant.
Genome position (GRCh38, 1-based): chr14:102,008,266, C>T. VCF-style: chr14-102008266-C-T. GRCh37 (hg19) VCF-style: chr14-102474603-C-T.
Other names: short protein forms S1969L.
Identifiers: ClinVar variation 1407722 (VCV001407722.8), dbSNP rs2141291313, ClinGen allele CA391051609.

ClinVar aggregate classification (germline): Uncertain significance (1 of 4 stars; one submission).

Conditions:
Charcot-Marie-Tooth disease axonal type 2O. Also called: Charcot-Marie-Tooth Neuropathy Type 2O; CHARCOT-MARIE-TOOTH NEUROPATHY, AXONAL, TYPE 2O; CHARCOT-MARIE-TOOTH DISEASE, AXONAL, AUTOSOMAL DOMINANT, TYPE 2O; Charcot-Marie-Tooth disease, axonal, type 20. Identifiers: Orphanet 284232, MedGen C3280220, MONDO:0013644, OMIM 614228.

Allele frequency attached by ClinVar (database versions not stated): gnomAD exomes below 0.00001.

Submission:

Labcorp Genetics (formerly Invitae), Labcorp
Classification: Uncertain significance for Charcot-Marie-Tooth disease axonal type 2O. Last evaluated: 2022-02-04. Review status: criteria provided, single submitter. Criteria: Invitae Variant Classification Sherloc (09022015). Collection method: clinical testing. Allele origin: germline.
Comment: This variant has not been reported in the literature in individuals affected with DYNC1H1-related conditions. In summary, the available evidence is currently insufficient to determine the role of this variant in disease. Therefore, it has been classified as a Variant of Uncertain Significance. Algorithms developed to predict the effect of missense changes on protein structure and function (SIFT, PolyPhen-2, Align-GVGD) all suggest that this variant is likely to be disruptive. This missense change has been observed in at least one individual who was not affected with DYNC1H1-related conditions (Invitae). This variant is not present in population databases (gnomAD no frequency). This sequence change replaces serine, which is neutral and polar, with leucine, which is neutral and non-polar, at codon 1969 of the DYNC1H1 protein (p.Ser1969Leu).